The following is an entry in ClinVar:

ClinVar aggregate classification (germline): Uncertain significance (1 of 4 stars; one submission).

Submission:

Labcorp Genetics (formerly Invitae), Labcorp
Classification: Uncertain significance. Last evaluated: 2022-07-05. Review status: criteria provided, single submitter. Criteria: Invitae Variant Classification Sherloc (09022015). Collection method: clinical testing. Allele origin: germline.
Comment: Information on the frequency of this variant in the gnomAD database is not available, as this variant may be reported differently in the database. This variant has not been reported in the literature in individuals affected with TRPM1-related conditions. ClinVar contains an entry for this variant (Variation ID: 942973). Experimental studies and prediction algorithms are not available or were not evaluated, and the functional significance of this variant is currently unknown. In summary, the available evidence is currently insufficient to determine the role of this variant in disease. Therefore, it has been classified as a Variant of Uncertain Significance. This sequence change replaces glutamic acid, which is acidic and polar, with lysine, which is basic and polar, at codon 781 of the TRPM1 protein (p.Glu781Lys).

NM_001252024.2(TRPM1):c.2406_2407inv (p.Glu803Lys)

Gene: TRPM1 (transient receptor potential cation channel subfamily M member 1; minus strand). Cytogenetic location: 15q13.3.
Variant type: Inversion.
Coding change: c.2406_2407inv on transcript NM_001252024.2 (MANE Select).
Protein change: p.Glu803Lys; replaces glutamic acid 803 with lysine.
Molecular consequence: missense variant.
Genome position: GRCh38 VCF-style: chr15-31038076-CA-TG. GRCh37 (hg19) VCF-style: chr15-31330279-CA-TG.
Other names: c.2457_2458inv, p.Glu820Lys (NM_001252020.2); c.2340_2341inv, p.Glu781Lys (NM_002420.6); short protein forms E781K, E803K, E820K.
Identifiers: ClinVar variation 942973 (VCV000942973.8), dbSNP rs2033480153, ClinGen allele CA1139663802.